The following is an entry in ClinVar:

ClinVar aggregate classification (germline): Benign. Review status: criteria provided, single submitter (1 of 4 stars). 2 submissions from 2 submitters: Benign (1). 1 of the submissions does not count toward it. Last evaluated 2026-01-22.

Conditions:
TENT5A-related disorder. Also called: TENT5A-related condition.

Allele frequency attached by ClinVar (database versions not stated): gnomAD exomes 0.00022 and 0.00050; ExAC 0.00058; ESP Exome Variant Server 0.00169; 1000 Genomes Project 30x 0.00219; 1000 Genomes Project 0.00220; TOPMed 0.00220.
gnomAD v4.1: 644 of 1,613,310 alleles (0.04%); highest among the groups gnomAD compares: African/African-American, 0.76%; 1 homozygote.

Submissions (2):

Labcorp Genetics (formerly Invitae), Labcorp
Classification: Benign. Last evaluated: 2026-01-22. Review status: criteria provided, single submitter. Criteria: Invitae Variant Classification Sherloc (09022015). Collection method: clinical testing. Allele origin: germline.

PreventionGenetics, part of Exact Sciences
Classification: Likely benign for TENT5A-related condition. Last evaluated: 2019-08-28. Review status: no assertion criteria provided. Collection method: clinical testing. Allele origin: germline. Not counted in ClinVar's aggregate classification.
Comment: This variant is classified as likely benign based on ACMG/AMP sequence variant interpretation guidelines (Richards et al. 2015 PMID: 25741868, with internal and published modifications).

NM_017633.3(TENT5A):c.1284C>T (p.Phe428=)

Gene: TENT5A (terminal nucleotidyltransferase 5A; minus strand). Cytogenetic location: 6q14.1.
Variant type: single nucleotide variant.
Coding change: c.1284C>T on transcript NM_017633.3 (MANE Select); coding-DNA position 1284, C replaced by T.
Protein change: p.Phe428=; no amino-acid change (phenylalanine 428 retained).
Molecular consequence: synonymous variant.
Genome position (GRCh38, 1-based): chr6:81,749,740, G>A on the plus strand (C>T on the coding strand, the complement: TENT5A is on the minus strand). VCF-style: chr6-81749740-G-A. GRCh37 (hg19) VCF-style: chr6-82459457-G-A.
Other names: c.1284C>T (NM_017633.2).
Identifiers: ClinVar variation 1680578 (VCV001680578.10), dbSNP rs145308758, ClinGen allele CA3902897.
Genomic context (GRCh38, chr6:81,749,740, plus strand): 5'-ATTTTTAAATGATTCTTAATTGCAGGGTAGCCAAGTGGAGTAGGTCTGTTGCTGGCACGT[G>A]AATACTGGCTGAACCTGTGCAATGTAGTAATTGCTAAAGTTGGCATCTGCTACATAGGGG-3'
Protein context (NP_060103.2, residues 418-438): NYYIAQVQPV[Phe428=]TCQQQTYSTW